The following is an entry in ClinVar:

ClinVar aggregate classification (germline): Uncertain significance (1 of 4 stars; one submission).

Conditions:
Inborn genetic diseases. Identifiers: MedGen C0950123, MeSH D030342.

Submission:

Ambry Genetics
Classification: Uncertain significance for Inborn genetic diseases. Last evaluated: 2026-01-13. Review status: criteria provided, single submitter. Criteria: Ambry Variant Classification Scheme 2023. Collection method: clinical testing. Allele origin: germline.
Comment: The c.45+615G>T intronic alteration consists of a G to T substitution 615 nucleotides after exon 1 (coding exon 1) of the DDX3X gene. The Genome Aggregation Database (gnomAD) data for this variant is unreliable due to technical and/or biological issues; therefore, population frequency estimates were not considered. This nucleotide position is well conserved in available vertebrate species. In silico splice site analysis predicts that this alteration may result in the creation or strengthening of a novel splice donor site. Based on insufficient or conflicting evidence, the clinical significance of this alteration remains unclear.

NM_001356.5(DDX3X):c.45+615G>T

Gene: DDX3X (DEAD-box helicase 3 X-linked; plus strand). Cytogenetic location: Xp11.4.
Variant type: single nucleotide variant.
Coding change: c.45+615G>T on transcript NM_001356.5 (MANE Select); 615 bases into the intron after coding-DNA position 45, G replaced by T.
Molecular consequence: intron variant.
Genome position (GRCh38, 1-based): chrX:41,334,912, G>T. VCF-style: chrX-41334912-G-T. GRCh37 (hg19) VCF-style: chrX-41194165-G-T.
Other names: c.45+615G>T (NM_001193416.3, NM_001193417.3); c.-1859+615G>T (NM_001363819.1).
Identifiers: ClinVar variation 4838709 (VCV004838709.1).